The following is an entry in ClinVar:

ClinVar aggregate classification (germline): Uncertain significance (1 of 4 stars; one submission).

Submission:

GeneDx
Classification: Uncertain significance. Last evaluated: 2021-06-22. Review status: criteria provided, single submitter. Criteria: GeneDx Variant Classification Process June 2021. Collection method: clinical testing. Allele origin: germline. Affected: yes.
Comment: Not observed at significant frequency in large population cohorts (Lek et al., 2016); In silico analysis supports that this missense variant has a deleterious effect on protein structure/function; Has not been previously published as pathogenic or benign to our knowledge; This variant is associated with the following publications: (PMID: 27535533)

NM_001318852.2(MAPK8IP3):c.464C>G (p.Ser155Trp)

Gene: MAPK8IP3 (mitogen-activated protein kinase 8 interacting protein 3; plus strand). Cytogenetic location: 16p13.3.
Variant type: single nucleotide variant.
Coding change: c.464C>G on transcript NM_001318852.2 (MANE Select); coding-DNA position 464, C replaced by G.
Protein change: p.Ser155Trp; replaces serine 155 with tryptophan.
Molecular consequence: missense variant.
Genome position (GRCh38, 1-based): chr16:1,729,162, C>G. VCF-style: chr16-1729162-C-G. GRCh37 (hg19) VCF-style: chr16-1779163-C-G.
Other names: c.464C>G, p.Ser155Trp (NM_001040439.2, NM_015133.5); short protein forms S155W.
Identifiers: ClinVar variation 1329728 (VCV001329728.2), dbSNP rs2039116543, ClinGen allele CA394219517.